The following is an entry in ClinVar:

NM_001999.4(FBN2):c.8192+8G>A

Gene: FBN2 (fibrillin 2; minus strand). Cytogenetic location: 5q23.3.
Variant type: single nucleotide variant.
Coding change: c.8192+8G>A on transcript NM_001999.4 (MANE Select); 8 bases into the intron after coding-DNA position 8192, G replaced by A.
Molecular consequence: intron variant.
Genome position (GRCh38, 1-based): chr5:128,263,417, C>T on the plus strand (G>A on the coding strand, the complement: FBN2 is on the minus strand). VCF-style: chr5-128263417-C-T. GRCh37 (hg19) VCF-style: chr5-127599109-C-T.
Identifiers: ClinVar variation 528430 (VCV000528430.14), dbSNP rs184132548, ClinGen allele CA3393898.
Genomic context (GRCh38, chr5:128,263,417, plus strand): 5'-GGGGGGTGGCCTGAACTCACTCAGGAACCATGTATTCCTCTATGTGCTGAGGCTGAAGGC[C>T]GCCTTACCCTTGTCCCACTCTGTAATACCCAGGGGGGCAGCCACAGAGGTAGCCCCCCTC-3'

ClinVar aggregate classification (germline): Benign/Likely benign. Review status: criteria provided, multiple submitters, no conflicts (2 of 4 stars). 4 submissions from 4 submitters: Benign (1); Likely benign (3). Last evaluated 2025-12-03.

Conditions:
Congenital contractural arachnodactyly (CCA). Also called: BEALS SYNDROME; Beals-Hecht syndrome; Arthrogryposis, distal, type 9. Identifiers: Orphanet 115, MedGen C0220668, MONDO:0007363, OMIM 121050.

Allele frequency attached by ClinVar (database versions not stated): gnomAD exomes 0.00007; ExAC 0.00008; gnomAD 0.00011 and 0.00012; TOPMed 0.00014; ESP Exome Variant Server 0.00015; 1000 Genomes Project 30x 0.00031.
gnomAD v4.1: 83 of 1,602,238 alleles (0.0052%); highest among the groups gnomAD compares: African/African-American, 0.035%; no homozygotes.

Submissions (4):

Labcorp Genetics (formerly Invitae), Labcorp
Classification: Likely benign for Congenital contractural arachnodactyly. Last evaluated: 2025-12-03. Review status: criteria provided, single submitter. Criteria: Invitae Variant Classification Sherloc (09022015). Collection method: clinical testing. Allele origin: germline.

Blueprint Genetics
Classification: Likely benign. Last evaluated: 2024-10-07. Review status: criteria provided, single submitter. Criteria: ACMG Guidelines, 2015. Collection method: clinical testing. Allele origin: germline.

Women's Health and Genetics/Laboratory Corporation of America, LabCorp
Classification: Benign. Last evaluated: 2024-09-14. Review status: criteria provided, single submitter. Criteria: LabCorp Variant Classification Summary - May 2015. Collection method: clinical testing. Allele origin: germline.

GeneDx
Classification: Likely benign. Last evaluated: 2018-05-04. Review status: criteria provided, single submitter. Criteria: GeneDx Variant Classification (06012015). Collection method: clinical testing. Allele origin: germline. Affected: yes.
Comment: This variant is considered likely benign or benign based on one or more of the following criteria: it is a conservative change, it occurs at a poorly conserved position in the protein, it is predicted to be benign by multiple in silico algorithms, and/or has population frequency not consistent with disease.